The following is an entry in ClinVar:

ClinVar aggregate classification (germline): Pathogenic (1 of 4 stars; one submission).

Submission:

GeneDx
Classification: Pathogenic. Last evaluated: 2020-06-01. Review status: criteria provided, single submitter. Criteria: GeneDx Variant Classification Process June 2021. Collection method: clinical testing. Allele origin: germline. Affected: yes.
Comment: Previously reported in a cohort of individuals with neurodevelopmental disorders undergoing exome sequencing (Fischer-Zirnsak et al., 2019); Frameshift variant predicted to result in protein truncation or nonsense mediated decay in a gene for which loss-of-function is a known mechanism of disease; Not observed in large population cohorts (Lek et al., 2016); This variant is associated with the following publications: (PMID: 31353024)

NM_005618.4(DLL1):c.543_570dup (p.Phe191fs)

Gene: DLL1 (delta like canonical Notch ligand 1; minus strand). Cytogenetic location: 6q27.
Variant type: Duplication.
Coding change: c.543_570dup on transcript NM_005618.4 (MANE Select); coding-DNA positions 543 to 570, 28 bases duplicated (ACACTACTACGGAGAGGGCTGCTCCGTT).
Protein change: p.Phe191fs; shifts the reading frame from phenylalanine 191.
Molecular consequence: frameshift variant.
Genome position (GRCh38, 1-based): chr6:170,288,339-170,288,366, AACGGAGCAGCCCTCTCCGTAGTAGTGT duplicated on the plus strand (ACACTACTACGGAGAGGGCTGCTCCGTT on the coding strand, the reverse complement: DLL1 is on the minus strand). VCF-style (leftmost placement, unchanged base first): chr6-170288338-A-AAACGGAGCAGCCCTCTCCGTAGTAGTGT. GRCh37 (hg19) VCF-style: chr6-170597426-A-AAACGGAGCAGCCCTCTCCGTAGTAGTGT.
Other names: short protein forms F191fs.
Identifiers: ClinVar variation 524108 (VCV000524108.4), dbSNP rs1554273585, ClinGen allele CA658796876.